The following is an entry in ClinVar:

NM_000038.6(APC):c.2758A>G (p.Asn920Asp)

Gene: APC (APC regulator of Wnt signaling pathway; plus strand). Cytogenetic location: 5q22.2.
Variant type: single nucleotide variant.
Coding change: c.2758A>G on transcript NM_000038.6 (MANE Select); coding-DNA position 2758, A replaced by G.
Protein change: p.Asn920Asp; replaces asparagine 920 with aspartic acid.
Molecular consequence: missense variant.
Genome position (GRCh38, 1-based): chr5:112,838,352, A>G. VCF-style: chr5-112838352-A-G. GRCh37 (hg19) VCF-style: chr5-112174049-A-G.
Other names: c.2758A>G, p.Asn920Asp (NM_001127510.3, NM_001354895.2); c.2704A>G, p.Asn902Asp (NM_001127511.3); c.2812A>G, p.Asn938Asp (NM_001354896.2); c.2788A>G, p.Asn930Asp (NM_001354897.2); c.2683A>G, p.Asn895Asp (NM_001354898.2); c.2674A>G, p.Asn892Asp (NM_001354899.2); c.2635A>G, p.Asn879Asp (NM_001354900.2); c.2581A>G, p.Asn861Asp (NM_001354901.2); and 5 more; short protein forms N902D, N920D, N930D, N794D, N895D, N938D, N637D, N760D.
Identifiers: ClinVar variation 576310 (VCV000576310.13), dbSNP rs1561579442, ClinGen allele CA16027349.
Genomic context (GRCh38, chr5:112,838,352, plus strand): 5'-TCTCAGGAAGACAGAAGTTCTGGGTCTACCACTGAATTACATTGTGTGACAGATGAGAGA[A>G]ATGCACTTAGAAGAAGCTCTGCTGCCCATACACATTCAAACACTTACAATTTCACTAAGT-3'
Protein context (NP_000029.2, residues 910-930): TELHCVTDER[Asn920Asp]ALRRSSAAHT

ClinVar aggregate classification (germline): Uncertain significance. Review status: criteria provided, multiple submitters, no conflicts (2 of 4 stars). 3 submissions from 3 submitters: Uncertain significance (3). Last evaluated 2024-06-18.

Conditions:
Hereditary cancer-predisposing syndrome. Also called: Tumor predisposition; Hereditary neoplastic syndrome; Hereditary Cancer Syndrome; Neoplastic Syndromes, Hereditary. Identifiers: Orphanet 140162, MedGen C0027672, MeSH D009386, MONDO:0015356.
Familial adenomatous polyposis 1 (FAP1). Also called: POLYPOSIS, ADENOMATOUS INTESTINAL; FAMILIAL ADENOMATOUS POLYPOSIS 1, ATTENUATED. Identifiers: MedGen C2713442, MONDO:0021056, OMIM 175100. Disease mechanism: loss of function.

Allele frequency attached by ClinVar (database versions not stated): gnomAD exomes below 0.00001.
gnomAD v4.1: 2 of 1,614,190 alleles (0.00012%); highest among the groups gnomAD compares: Non-Finnish European, 0.00017%; no homozygotes.

Submissions (3):

Ambry Genetics
Classification: Uncertain significance for Hereditary cancer-predisposing syndrome. Last evaluated: 2024-06-18. Review status: criteria provided, single submitter. Criteria: Ambry Variant Classification Scheme 2023. Collection method: clinical testing. Allele origin: germline.
Comment: The p.N920D variant (also known as c.2758A>G), located in coding exon 15 of the APC gene, results from an A to G substitution at nucleotide position 2758. The asparagine at codon 920 is replaced by aspartic acid, an amino acid with highly similar properties. This amino acid position is conserved. In addition, in silico predictors for this gene do not accurately predict pathogenicity. Based on the available evidence, the clinical significance of this variant remains unclear.

Baylor Genetics
Classification: Uncertain significance for Familial adenomatous polyposis 1. Last evaluated: 2023-05-02. Review status: criteria provided, single submitter. Criteria: ACMG Guidelines, 2015. Collection method: clinical testing. Allele origin: unknown.

Labcorp Genetics (formerly Invitae), Labcorp
Classification: Uncertain significance for Familial adenomatous polyposis 1. Last evaluated: 2018-11-16. Review status: criteria provided, single submitter. Criteria: Invitae Variant Classification Sherloc (09022015). Collection method: clinical testing. Allele origin: germline.
Comment: This sequence change replaces asparagine with aspartic acid at codon 920 of the APC protein (p.Asn920Asp). The asparagine residue is moderately conserved and there is a small physicochemical difference between asparagine and aspartic acid. This variant is not present in population databases (ExAC no frequency). This variant has not been reported in the literature in individuals with APC-related disease. Algorithms developed to predict the effect of missense changes on protein structure and function do not agree on the potential impact of this missense change (SIFT: "Tolerated"; PolyPhen-2: "Benign"; Align-GVGD: "Class C0"). In summary, the available evidence is currently insufficient to determine the role of this variant in disease. Therefore, it has been classified as a Variant of Uncertain Significance.